The following is an entry in ClinVar:

NM_003238.6(TGFB2):c.645C>G (p.Asp215Glu)

Gene: TGFB2 (transforming growth factor beta 2; plus strand). Cytogenetic location: 1q41.
Variant type: single nucleotide variant.
Coding change: c.645C>G on transcript NM_003238.6 (MANE Select); coding-DNA position 645, C replaced by G.
Protein change: p.Asp215Glu; replaces aspartic acid 215 with glutamic acid.
Molecular consequence: missense variant. On other transcripts: non-coding transcript variant (2).
Genome position (GRCh38, 1-based): chr1:218,434,339, C>G. VCF-style: chr1-218434339-C-G. GRCh37 (hg19) VCF-style: chr1-218607681-C-G.
Other names: c.729C>G, p.Asp243Glu (NM_001135599.4); short protein forms D215E, D243E.
Identifiers: ClinVar variation 1303604 (VCV001303604.2), dbSNP rs1342706944, ClinGen allele CA344726724.

ClinVar aggregate classification (germline): Uncertain significance (1 of 4 stars; one submission).

Allele frequency attached by ClinVar (database versions not stated): gnomAD 0.00001; gnomAD exomes 0.00001 and 0.00002; TOPMed 0.00001.
gnomAD v4.1: 25 of 1,613,244 alleles (0.0015%); highest among the groups gnomAD compares: Non-Finnish European, 0.002%; no homozygotes.

Submission:

GeneDx
Classification: Uncertain significance. Last evaluated: 2019-09-03. Review status: criteria provided, single submitter. Criteria: GeneDx Variant Classification Process June 2021. Collection method: clinical testing. Allele origin: germline. Affected: yes.
Comment: Not observed in large population cohorts (Lek et al., 2016); In silico analysis, which includes protein predictors and evolutionary conservation, supports that this variant does not alter protein structure/function; Has not been previously published as pathogenic or benign to our knowledge